The following is an entry in ClinVar:

NM_007078.3(LDB3):c.952C>T (p.Pro318Ser)

Gene: LDB3 (LIM domain binding 3; plus strand). Cytogenetic location: 10q23.2.
Variant type: single nucleotide variant.
Coding change: c.952C>T on transcript NM_007078.3 (MANE Select); coding-DNA position 952, C replaced by T.
Protein change: p.Pro318Ser; replaces proline 318 with serine.
Molecular consequence: missense variant. On other transcripts: intron variant (4).
Genome position (GRCh38, 1-based): chr10:86,706,586, C>T. VCF-style: chr10-86706586-C-T. GRCh37 (hg19) VCF-style: chr10-88466343-C-T.
Other names: c.811C>T, p.Pro271Ser (NM_001368066.1); c.897-3319C>T (NM_001368064.1, NM_001368065.1); c.1101-3319C>T (NM_001171610.2); c.756-3319C>T (NM_001080114.2); short protein forms P318S, P271S.
Identifiers: ClinVar variation 1767280 (VCV001767280.2), dbSNP rs2492761324, ClinGen allele CA377446689.
Genomic context (GRCh38, chr10:86,706,586, plus strand): 5'-ATCAGCACCCCTATTGAGCATGCGCCGGTGTGCACCAGCCAGGCCACCACCCCGCTGCTG[C>T]CCGCTTCTGCCCAGCCACCTGCTGCTGCCTCTCCCAGTGCGGCTTCGCCACCCCTGGCCA-3'
Protein context (NP_009009.1, residues 308-328): CTSQATTPLL[Pro318Ser]ASAQPPAAAS

ClinVar aggregate classification (germline): Uncertain significance (1 of 4 stars; one submission).

Conditions:
Cardiovascular phenotype. Identifiers: MedGen CN230736.

Submission:

Ambry Genetics
Classification: Uncertain significance for Cardiovascular phenotype. Last evaluated: 2022-02-10. Review status: criteria provided, single submitter. Criteria: Ambry Variant Classification Scheme 2023. Collection method: clinical testing. Allele origin: germline.
Comment: The p.P318S variant (also known as c.952C>T), located in coding exon 7 of the LDB3 gene, results from a C to T substitution at nucleotide position 952. The proline at codon 318 is replaced by serine, an amino acid with similar properties. This amino acid position is conserved. In addition, this alteration is predicted to be tolerated by in silico analysis. Since supporting evidence is limited at this time, the clinical significance of this alteration remains unclear.